The following is an entry in ClinVar:

ClinVar aggregate classification (germline): Pathogenic (1 of 4 stars; one submission).

Conditions:
Spondylodysplastic Ehlers-Danlos syndrome. Identifiers: Orphanet 536471, Orphanet 75496, MedGen C5680154, MONDO:0007526.

Submission:

Women's Health and Genetics/Laboratory Corporation of America, LabCorp
Classification: Pathogenic for Spondylodysplastic Ehlers-Danlos syndrome. Last evaluated: 2026-03-09. Review status: criteria provided, single submitter. Criteria: LabCorp Variant Classification Summary - May 2015. Collection method: clinical testing. Allele origin: germline.
Comment: Variant summary: The variant involves the deletion of exon one in the B4GALT7 gene. A presumed nomenclature of c.(?_-80)_(50+1_51-1)del has been designated for the purposes of this classification. The exact breakpoint at the 5' end of this variant is unknown, therefore this deletion may extend upstream of the annotated region of this gene. Although the exact breakpoints of this deletion are not known, it is predicted to remove the initiation codon and result in an absence of protein or a truncation of the encoded protein due to translation initiation at a downstream site. Loss-of-function variants in this gene are known to be pathogenic. The frequency of this variant in the general population could not be determined as the technology used for large population databases (ExAC, gnomAD, ESP, 1000G) cannot detect variants of this type. To our knowledge, no occurrence of c.(?_-80)_(50+1_51-1)del in individuals affected with B4GALT7-related conditions and no experimental evidence demonstrating its impact on protein function have been reported. ClinVar contains an entry for this variant (Variation ID: 2425704). Based on the evidence outlined above, the variant was classified as pathogenic.

NC_000005.9:g.(?_177027132)_(177027262_177031179)del

Gene: B4GALT7 (beta-1,4-galactosyltransferase 7; plus strand). Cytogenetic location: 5q35.3.
Variant type: Deletion.
Identifiers: ClinVar variation 4847371 (VCV004847371.1).